The following continues an entry in ClinVar:

NM_000053.4(ATP7B):c.2383C>T (p.Leu795Phe)

Gene: ATP7B. ClinVar aggregate classification (germline): Pathogenic/Likely pathogenic. Pathogenic (11); Likely pathogenic (3).

Submissions 13 to 16 of 16:

ARUP Laboratories, Molecular Genetics and Genomics, ARUP Laboratories
Classification: Likely pathogenic for Wilson disease. Last evaluated: 2019-08-28. Review status: criteria provided, single submitter. Criteria: ARUP Molecular Germline Variant Investigation Process. Collection method: clinical testing. Allele origin: germline.
Comment: The ATP7B c.2383C>T; p.Leu795Phe variant (rs751710854) is reported in the literature in multiple individuals affected with Wilson disease, including in the homozygous or compound heterozygous state (Aggarwal 2013, Dong 2016, Li 2013, Mukherjee 2014, Santhosh 2006, Shah 1997). This variant is reported in ClinVar (Variation ID: 188814), and is only observed on seven alleles in the Genome Aggregation Database, indicating it is not a common polymorphism. The leucine at codon 795 is highly conserved, and computational analyses (SIFT, PolyPhen-2) predict that this variant is deleterious. Additionally, another variant at this codon (c.2384T>G; p.Leu795Arg) have been reported in individuals with Wilson disease (Curtis 1999). Based on available information, this variant is considered to be likely pathogenic. References: Aggarwal A et al. Wilson disease mutation pattern with genotype-phenotype correlations from Western India: confirmation of p.C271* as a common Indian mutation and identification of 14 novel mutations. Ann Hum Genet. 2013 Jul;77(4):299-307. Curtis D et al. A study of Wilson disease mutations in Britain. Hum Mutat. 1999;14(4):304-11. Dong Y et al. Spectrum and Classification of ATP7B Variants in a Large Cohort of Chinese Patients with Wilson's Disease Guides Genetic Diagnosis. Theranostics. 2016 Mar 3;6(5):638-49. Li K et al. Mutational analysis of ATP7B in north Chinese patients with Wilson disease. J Hum Genet. 2013 Feb;58(2):67-72. Mukherjee S et al. Genetic defects in Indian Wilson disease patients and genotype-phenotype correlation. Parkinsonism Relat Disord. 2014 Jan;20(1):75-81. Santhosh S et al. ATP7B mutations in families in a predominantly Southern Indian cohort of Wilson's disease patients. Indian J Gastroenterol. 2006 Nov-Dec;25(6):277-82. Shah AB et al. Identification and analysis of mutations in the Wilson disease gene (ATP7B): population frequencies, genotype-phenotype correlation, and functional analyses. Am J Hum Genet. 1997 Aug;61(2):317-28.

Women's Health and Genetics/Laboratory Corporation of America, LabCorp
Classification: Pathogenic for Wilson disease. Last evaluated: 2016-06-07. Review status: criteria provided, single submitter. Criteria: LabCorp Variant Classification Summary - May 2015. Collection method: clinical testing. Allele origin: germline.
Comment: Variant summary: The c.2383C>T (p.Leu795Phe) in ATP7B gene is a missense change that involves a conserved nucleotide and 4/5 in silico tools predict deleterious outcome. The variant is present in the control population dataset of ExAC at frequency of 0.00003 (4/120764 chrs tested). The observed frequency does not exceed the maximum expected allele frequency for a pathogenic variant of 0.0054. The variant was identified homozygously and in compound heterozygosity in several WD pts. In functional studies the variant displayed features of mild mutation. The variant of interest has been reported as Likely Pathogenic by another clinical laboratory, without evidence to independently evaluate. Taking together, the variant was classified as Pathogenic.

Biochemical Molecular Genetic Laboratory, King Abdulaziz Medical City
Classification: Pathogenic for Wilson disease. Last evaluated: 2019-09-15. Review status: no assertion criteria provided. Collection method: clinical testing. Allele origin: germline. Affected: yes. Not counted in ClinVar's aggregate classification.

Counsyl
Classification: Likely pathogenic for Wilson's disease. Last evaluated: 2014-06-04. Review status: no assertion criteria provided. Collection method: literature only. Allele origin: unknown. Inheritance: Autosomal recessive inheritance. Not counted in ClinVar's aggregate classification.

Literature cited by the submitters: PubMed 24475083 (cited by 3 submitters); PubMed 23551039 (cited by 7 submitters); PubMed 9311736 (cited by 6 submitters); PubMed 17264425 (cited by 6 submitters); PubMed 23235335 (cited by 6 submitters); PubMed 23518715 (cited by 4 submitters); PubMed 24094725 (cited by 5 submitters); PubMed 25376582 (cited by Color Diagnostics, LLC DBA Color Health and All of Us Research Program, National Institutes of Health); PubMed 27022412 (cited by 4 submitters); PubMed 27122662 (cited by Color Diagnostics, LLC DBA Color Health and All of Us Research Program, National Institutes of Health); PubMed 30120852 (cited by Color Diagnostics, LLC DBA Color Health and All of Us Research Program, National Institutes of Health); PubMed 34400371 (cited by Color Diagnostics, LLC DBA Color Health and All of Us Research Program, National Institutes of Health); PubMed 34470610 (cited by Color Diagnostics, LLC DBA Color Health and All of Us Research Program, National Institutes of Health); PubMed 35245129 (cited by Color Diagnostics, LLC DBA Color Health); PubMed 26207595 (cited by Labcorp Genetics (formerly Invitae), Labcorp); PubMed 22692182 (cited by Women's Health and Genetics/Laboratory Corporation of America, LabCorp and Counsyl); PubMed 2409472 (cited by Counsyl).